The following is an entry in ClinVar:

ClinVar aggregate classification (germline): Benign (1 of 4 stars; one submission).

Allele frequency attached by ClinVar (database versions not stated): 1000 Genomes Project 0.14331; 1000 Genomes Project 30x 0.14464; gnomAD 0.15054 and 0.15351; TOPMed 0.15315.
gnomAD v4.1: 16,751 of 111,794 alleles (15%); highest among the groups gnomAD compares: African/African-American, 25%; 1,140 homozygotes.

Submission:

GeneDx
Classification: Benign. Last evaluated: 2018-06-14. Review status: criteria provided, single submitter. Criteria: GeneDx Variant Classification (06012015). Collection method: clinical testing. Allele origin: germline. Affected: yes.
Comment: This variant is considered likely benign or benign based on one or more of the following criteria: it is a conservative change, it occurs at a poorly conserved position in the protein, it is predicted to be benign by multiple in silico algorithms, and/or has population frequency not consistent with disease.

NM_000252.3(MTM1):c.867+180A>C

Gene: MTM1 (myotubularin 1; plus strand). Cytogenetic location: Xq28.
Variant type: single nucleotide variant.
Coding change: c.867+180A>C on transcript NM_000252.3 (MANE Select); 180 bases into the intron after coding-DNA position 867, A replaced by C.
Molecular consequence: intron variant.
Genome position (GRCh38, 1-based): chrX:150,646,051, A>C. VCF-style: chrX-150646051-A-C. GRCh37 (hg19) VCF-style: chrX-149814524-A-C.
Other names: c.867+180A>C (NM_001376908.1, NM_001376906.1); c.756+180A>C (NM_001376907.1).
Identifiers: ClinVar variation 683191 (VCV000683191.1), dbSNP rs222368, ClinGen allele CA15056445.